The following is an entry in ClinVar:

NM_001374736.1(DST):c.16584T>G (p.Ile5528Met)

Gene: DST (dystonin; minus strand). Cytogenetic location: 6p12.1.
Variant type: single nucleotide variant.
Coding change: c.16584T>G on transcript NM_001374736.1 (MANE Select); coding-DNA position 16584, T replaced by G.
Protein change: p.Ile5528Met; replaces isoleucine 5528 with methionine.
Molecular consequence: missense variant.
Genome position (GRCh38, 1-based): chr6:56,552,208, A>C on the plus strand (T>G on the coding strand, the complement: DST is on the minus strand). VCF-style: chr6-56552208-A-C. GRCh37 (hg19) VCF-style: chr6-56417006-A-C.
Other names: c.10227T>G, p.Ile3409Met (NM_001144769.5); c.9813T>G, p.Ile3271Met (NM_001144770.2); c.16584T>G, p.Ile5528Met (NM_001374722.1); c.15951T>G, p.Ile5317Met (NM_001374729.1); c.9693T>G, p.Ile3231Met (NM_001374730.1, NM_001386100.1, NM_183380.4); c.16611T>G, p.Ile5537Met (NM_001374734.1); c.8715T>G, p.Ile2905Met (NM_015548.5); short protein forms I5528M, I2905M, I3409M, I5317M, I3231M, I3271M, I5537M.
Identifiers: ClinVar variation 2004905 (VCV002004905.4), dbSNP rs1015460148, ClinGen allele CA139205911.

ClinVar aggregate classification (germline): Uncertain significance (1 of 4 stars; one submission).

Conditions:
Hereditary sensory and autonomic neuropathy type 6. Also called: HSAN VI; Neuropathy, hereditary sensory and autonomic, type VI. Identifiers: Orphanet 314381, MedGen C3539003, MONDO:0013839, OMIM 614653.
Epidermolysis bullosa simplex 3, localized or generalized intermediate, with BP230 deficiency (EBS3). Also called: Epidermolysis bullosa simplex due to BP230 deficiency; Epidermolysis bullosa simplex, autosomal recessive 2. Identifiers: Orphanet 412181, MedGen C3809470, MONDO:0014180, OMIM 615425.

Submission:

Labcorp Genetics (formerly Invitae), Labcorp
Classification: Uncertain significance for Epidermolysis bullosa simplex 3, localized or generalized intermediate, with BP230 deficiency; Hereditary sensory and autonomic neuropathy type 6. Last evaluated: 2022-06-13. Review status: criteria provided, single submitter. Criteria: Invitae Variant Classification Sherloc (09022015). Collection method: clinical testing. Allele origin: germline.
Comment: The DST gene has multiple clinically relevant transcripts. This variant occurs in alternate transcript NM_015548.4, and corresponds to NM_001723.5:c.*63309T>G in the primary transcript. This sequence change replaces isoleucine, which is neutral and non-polar, with methionine, which is neutral and non-polar, at codon 2905 of the DST protein (p.Ile2905Met). This variant is not present in population databases (gnomAD no frequency). This variant has not been reported in the literature in individuals affected with DST-related conditions. Experimental studies and prediction algorithms are not available or were not evaluated, and the functional significance of this variant is currently unknown. In summary, the available evidence is currently insufficient to determine the role of this variant in disease. Therefore, it has been classified as a Variant of Uncertain Significance.